The following is an entry in ClinVar:

ClinVar aggregate classification (germline): Pathogenic. Review status: criteria provided, multiple submitters, no conflicts (2 of 4 stars). 10 submissions from 10 submitters: Pathogenic (9). 1 of the submissions does not count toward it. Last evaluated 2026-02-23.

Conditions:
Bardet-Biedl syndrome (BBS). Identifiers: Orphanet 110, MedGen C0752166, MONDO:0015229.
Bardet-Biedl syndrome 1 (BBS1). Identifiers: MedGen C2936862, MONDO:0008854, OMIM 209900. Disease mechanism: loss of function.
BBS1-related disorder. Also called: BBS1-related condition.

Allele frequency attached by ClinVar (database versions not stated): gnomAD 0.00001; gnomAD exomes 0.00001 and below 0.00001; TOPMed 0.00001.

Submissions (10):

Dasa
Classification: Pathogenic. Last evaluated: 2026-02-23. Review status: criteria provided, single submitter. Criteria: DASA Assertion Criteria. Collection method: clinical testing. Allele origin: germline.
Comment: NM_024649.5(BBS1):c.118del (p.Cys40Alafs*2) introduces a premature termination codon predicted to result in loss of normal protein function. Loss-of-function is an established mechanism of disease for this gene. This variant has been recurrently observed in individuals with related phenotype (PMID: 27032803; PMID: 29588463). The variant is present at low frequency in population datasets. Based on the available data, this variant is classified as pathogenic.

Natera, Inc.
Classification: Pathogenic for Bardet-Biedl syndrome type 1. Last evaluated: 2025-11-24. Review status: criteria provided, single submitter. Criteria: Natera Variant Classification Schema (03/2026). Collection method: clinical testing. Allele origin: germline.
Comment: The c.118delT variant in BBS1 is a frameshift variant predicted to shift the reading frame beginning at codon 40 and leads to a stop codon 2 codons downstream. This variant is expected to result in nonsense mediated decay, truncation, or a dysfunctional protein product. This variant is rare in the general population with a frequency below the threshold expected for the associated phenotype(s). This variant has been observed in one or more individuals affected with the associated recessive disease, as either homozygous or compound heterozygous with a second variant (PMID: 29588463). Given the available evidence, this variant is classified as Pathogenic.

Labcorp Genetics (formerly Invitae), Labcorp
Classification: Pathogenic for Bardet-Biedl syndrome. Last evaluated: 2024-12-03. Review status: criteria provided, single submitter. Criteria: Invitae Variant Classification Sherloc (09022015). Collection method: clinical testing. Allele origin: germline.
Comment: This sequence change creates a premature translational stop signal (p.Cys40Alafs*2) in the BBS1 gene. It is expected to result in an absent or disrupted protein product. Loss-of-function variants in BBS1 are known to be pathogenic (PMID: 12118255, 21520335, 27032803). This variant is present in population databases (no rsID available, gnomAD 0.006%). This premature translational stop signal has been observed in individuals with Bardet-Biedl syndrome (PMID: 27032803, 29588463). ClinVar contains an entry for this variant (Variation ID: 802688). For these reasons, this variant has been classified as Pathogenic.

Revvity Omics, Revvity
Classification: Pathogenic for Bardet-Biedl syndrome 1. Last evaluated: 2024-11-19. Review status: criteria provided, single submitter. Criteria: ACMG Guidelines, 2015. Collection method: clinical testing. Allele origin: germline.

GeneDx
Classification: Pathogenic. Last evaluated: 2024-04-30. Review status: criteria provided, single submitter. Criteria: GeneDx Variant Classification Process June 2021. Collection method: clinical testing. Allele origin: germline. Affected: yes.
Comment: Frameshift variant predicted to result in protein truncation or nonsense mediated decay in a gene for which loss of function is a known mechanism of disease; This variant is associated with the following publications: (PMID: 31964843, 27032803, 35835773)

Baylor Genetics
Classification: Pathogenic for Bardet-Biedl syndrome 1. Last evaluated: 2024-02-25. Review status: criteria provided, single submitter. Criteria: ACMG Guidelines, 2015. Collection method: clinical testing. Allele origin: unknown.

Laboratorio de Genetica e Diagnostico Molecular, Hospital Israelita Albert Einstein
Classification: Pathogenic for Bardet-Biedl syndrome 1. Last evaluated: 2023-02-02. Review status: criteria provided, single submitter. Criteria: ACMG Guidelines, 2015. Collection method: clinical testing. Allele origin: germline. Affected: yes. Observed: 1 variant allele.
Comment: ACMG classification criteria: PVS1 very strong, PM2 moderated, PM3 moderated

Fulgent Genetics
Classification: Pathogenic for Bardet-Biedl syndrome 1. Last evaluated: 2021-11-15. Review status: criteria provided, single submitter. Criteria: ACMG Guidelines, 2015. Collection method: clinical testing. Allele origin: unknown.

Mendelics
Classification: Pathogenic for Bardet-Biedl syndrome 1. Last evaluated: 2019-05-28. Review status: criteria provided, single submitter. Criteria: Mendelics Assertion Criteria 2017. Collection method: clinical testing. Allele origin: unknown.

PreventionGenetics, part of Exact Sciences
Classification: Pathogenic for BBS1-related condition. Last evaluated: 2024-08-06. Review status: no assertion criteria provided. Collection method: clinical testing. Allele origin: germline. Not counted in ClinVar's aggregate classification.
Comment: The BBS1 c.118delT variant is predicted to result in a frameshift and premature protein termination (p.Cys40Alafs*2). This variant has previously been reported in the compound heterozygous state in patients with Bardet-Biedl syndrome (Bravo-Gil et al. 2016. PubMed ID: 27032803; Sanchez-Navarro I et al 2018. PubMed ID: 29588463). This variant is reported in 0.0058% of alleles in individuals of Latino descent in gnomAD. Frameshift variants in BBS1 are expected to be pathogenic. This variant is interpreted as pathogenic.

Literature cited by the submitters: PubMed 27032803 (cited by Dasa and Labcorp Genetics (formerly Invitae), Labcorp); PubMed 29588463 (cited by 3 submitters); PubMed 12118255 (cited by Labcorp Genetics (formerly Invitae), Labcorp); PubMed 21520335 (cited by Labcorp Genetics (formerly Invitae), Labcorp).

NM_024649.5(BBS1):c.118del (p.Cys40fs)

Gene: BBS1 (Bardet-Biedl syndrome 1; plus strand). Cytogenetic location: 11q13.2.
Variant type: Deletion.
Coding change: c.118del on transcript NM_024649.5 (MANE Select); coding-DNA position 118, one base deleted (T; older notation c.118delT).
Protein change: p.Cys40fs; shifts the reading frame from cysteine 40.
Molecular consequence: frameshift variant.
Genome position (GRCh38, 1-based): chr11:66,511,083, T deleted. VCF-style (leftmost placement, unchanged base first): chr11-66511082-CT-C. GRCh37 (hg19) VCF-style: chr11-66278553-CT-C.
Other names: c.118delT (NM_024649.4); short protein forms C40fs.
Identifiers: ClinVar variation 802688 (VCV000802688.19), dbSNP rs1490351829, ClinGen allele CA599874903.
Genomic context (GRCh38, chr11:66,511,082, plus strand): 5'-CAATTCGAAGTGGTTGGATGCGCACTACGACCCAATGGCCAATATCCACACCTTTTCTGC[CT>C]GCCTAGGTGAGTCTCTGGAACCAGGAACCCTGGGTTCTAGTGGGATGGGGAGTCAGACAA-3'